The following is an entry in ClinVar:

NM_030662.4(MAP2K2):c.397T>C (p.Phe133Leu)

Gene: MAP2K2 (mitogen-activated protein kinase kinase 2; minus strand). Cytogenetic location: 19p13.3.
Variant type: single nucleotide variant.
Coding change: c.397T>C on transcript NM_030662.4 (MANE Select); coding-DNA position 397, T replaced by C.
Protein change: p.Phe133Leu; replaces phenylalanine 133 with leucine.
Molecular consequence: missense variant.
Genome position (GRCh38, 1-based): chr19:4,110,562, A>G on the plus strand (T>C on the coding strand, the complement: MAP2K2 is on the minus strand). VCF-style: chr19-4110562-A-G. GRCh37 (hg19) VCF-style: chr19-4110560-A-G.
Other names: c.397T>C, p.Phe133Leu (NM_001440688.1); short protein forms F133L.
Identifiers: ClinVar variation 4848424 (VCV004848424.1).

ClinVar aggregate classification (germline): Uncertain significance (1 of 4 stars; one submission).

Submission:

Women's Health and Genetics/Laboratory Corporation of America, LabCorp
Classification: Uncertain significance. Last evaluated: 2026-04-20. Review status: criteria provided, single submitter. Criteria: LabCorp Variant Classification Summary - May 2015. Collection method: clinical testing. Allele origin: germline.
Comment: Variant summary: MAP2K2 c.397T>C (p.Phe133Leu) results in a non-conservative amino acid change in the encoded protein sequence. Algorithms developed to predict the effect of missense changes on protein structure and function are either unavailable or do not agree on the potential impact of this missense change. The variant was absent in 251214 control chromosomes. The available data on variant occurrences in the general population are insufficient to allow any conclusion about variant significance. To our knowledge, no occurrence of c.397T>C in individuals affected with MAP2K2-related conditions and no experimental evidence demonstrating its impact on protein function have been reported. No submitters have cited clinical-significance assessments for this variant to ClinVar. Based on the evidence outlined above, the variant was classified as uncertain significance.